The following is an entry in ClinVar:

ClinVar aggregate classification (germline): Uncertain significance (1 of 4 stars; one submission).

Submission:

Labcorp Genetics (formerly Invitae), Labcorp
Classification: Uncertain significance. Last evaluated: 2020-10-08. Review status: criteria provided, single submitter. Criteria: Invitae Variant Classification Sherloc (09022015). Collection method: clinical testing. Allele origin: germline.
Comment: In summary, the available evidence is currently insufficient to determine the role of this variant in disease. Therefore, it has been classified as a Variant of Uncertain Significance. Experimental studies and prediction algorithms are not available or were not evaluated, and the functional significance of this variant is currently unknown. This sequence change replaces glutamine with arginine at codon 685 of the ARMC9 protein (p.Gln685Arg). The glutamine residue is weakly conserved and there is a small physicochemical difference between glutamine and arginine. The frequency data for this variant in the population databases is considered unreliable, as metrics indicate insufficient coverage at this position in the ExAC database. This variant has not been reported in the literature in individuals with ARMC9-related conditions.

NM_001352754.2(ARMC9):c.2054A>G (p.Gln685Arg)

Gene: ARMC9 (armadillo repeat containing 9; plus strand). Cytogenetic location: 2q37.1.
Variant type: single nucleotide variant.
Coding change: c.2054A>G on transcript NM_001352754.2 (MANE Select); coding-DNA position 2054, A replaced by G.
Protein change: p.Gln685Arg; replaces glutamine 685 with arginine.
Molecular consequence: missense variant.
Genome position (GRCh38, 1-based): chr2:231,355,857, A>G. VCF-style: chr2-231355857-A-G. GRCh37 (hg19) VCF-style: chr2-232220569-A-G.
Other names: c.2054A>G, p.Gln685Arg (NM_001271466.4); short protein forms Q685R.
Identifiers: ClinVar variation 1023251 (VCV001023251.7), dbSNP rs2045324158, ClinGen allele CA350957695.
Genomic context (GRCh38, chr2:231,355,857, plus strand): 5'-GGGTGGAAGACCAACACACACCTCCCCAGACAGCCCAGCACGCCAGAAACGGCCACCCGC[A>G]GGCCCTGCCAGCCGCTCACGAGGCTGTCTACAGGGAGGGCAAGCCCAGCACCCCGGAGTC-3'
Protein context (NP_001339683.2, residues 675-695): TAQHARNGHP[Gln685Arg]ALPAAHEAVY